The following is an entry in ClinVar:

NM_006206.6(PDGFRA):c.1390A>G (p.Ile464Val)

Gene: PDGFRA (platelet derived growth factor receptor alpha; plus strand). Cytogenetic location: 4q12.
Variant type: single nucleotide variant.
Coding change: c.1390A>G on transcript NM_006206.6 (MANE Select); coding-DNA position 1390, A replaced by G.
Protein change: p.Ile464Val; replaces isoleucine 464 with valine.
Molecular consequence: missense variant.
Genome position (GRCh38, 1-based): chr4:54,273,562, A>G. VCF-style: chr4-54273562-A-G. GRCh37 (hg19) VCF-style: chr4-55139729-A-G.
Other names: c.1390A>G, p.Ile464Val (NM_001347827.2, NM_001347829.2); c.1465A>G, p.Ile489Val (NM_001347828.2); c.1429A>G, p.Ile477Val (NM_001347830.2); short protein forms I464V, I489V, I477V.
Identifiers: ClinVar variation 571762 (VCV000571762.12), dbSNP rs372990693, ClinGen allele CA96858733.
Genomic context (GRCh38, chr4:54,273,562, plus strand): 5'-AATTGGCCCTATACTTAGGCCCTTTTTCTCTCTAGATGTAATAATGAAACTTCCTGGACT[A>G]TTTTGGCCAACAATGTCTCAAACATCATCACGGAGATCCACTCCCGAGACAGGAGTACCG-3'
Protein context (NP_006197.1, residues 454-474): KKCNNETSWT[Ile464Val]LANNVSNIIT

ClinVar aggregate classification (germline): Conflicting classifications of pathogenicity. Review status: criteria provided, conflicting classifications (1 of 4 stars). 2 submissions from 2 submitters: Uncertain significance (1); Likely benign (1). Last evaluated 2025-10-26.

Conditions:
Hereditary cancer-predisposing syndrome. Also called: Hereditary neoplastic syndrome; Neoplastic Syndromes, Hereditary; Hereditary Cancer Syndrome; Tumor predisposition. Identifiers: Orphanet 140162, MedGen C0027672, MeSH D009386, MONDO:0015356.
Gastrointestinal stromal tumor. Also called: Gastrointestinal stromal tumor, somatic; Gastrointestinal stroma tumor. Identifiers: Orphanet 44890, MedGen C0238198, MeSH D046152, MONDO:0011719, OMIM 606764, HP:0100723.

Submissions (2):

Labcorp Genetics (formerly Invitae), Labcorp
Classification: Uncertain significance for Gastrointestinal stromal tumor. Last evaluated: 2025-10-26. Review status: criteria provided, single submitter. Criteria: Invitae Variant Classification Sherloc (09022015). Collection method: clinical testing. Allele origin: germline.
Comment: This sequence change replaces isoleucine, which is neutral and non-polar, with valine, which is neutral and non-polar, at codon 464 of the PDGFRA protein (p.Ile464Val). This variant is not present in population databases (gnomAD no frequency). This variant has not been reported in the literature in individuals affected with PDGFRA-related conditions. ClinVar contains an entry for this variant (Variation ID: 571762). Invitae Evidence Modeling of protein sequence and biophysical properties (such as structural, functional, and spatial information, amino acid conservation, physicochemical variation, residue mobility, and thermodynamic stability) indicates that this missense variant is not expected to disrupt PDGFRA protein function with a negative predictive value of 80%. In summary, the available evidence is currently insufficient to determine the role of this variant in disease. Therefore, it has been classified as a Variant of Uncertain Significance.

Ambry Genetics
Classification: Likely benign for Hereditary cancer-predisposing syndrome. Last evaluated: 2022-02-16. Review status: criteria provided, single submitter. Criteria: Ambry Variant Classification Scheme 2023. Collection method: clinical testing. Allele origin: germline.